The following is an entry in ClinVar:

NM_017841.4(SDHAF2):c.483C>T (p.Leu161=)

Gene: SDHAF2 (succinate dehydrogenase complex assembly factor 2; plus strand). Cytogenetic location: 11q12.2.
Variant type: single nucleotide variant.
Coding change: c.483C>T on transcript NM_017841.4 (MANE Select); coding-DNA position 483, C replaced by T.
Protein change: p.Leu161=; no amino-acid change (leucine 161 retained).
Molecular consequence: synonymous variant.
Genome position (GRCh38, 1-based): chr11:61,446,053, C>T. VCF-style: chr11-61446053-C-T. GRCh37 (hg19) VCF-style: chr11-61213525-C-T.
Identifiers: ClinVar variation 5042090 (VCV005042090.1).

ClinVar aggregate classification (germline): Benign (1 of 4 stars; one submission).

Conditions:
Pheochromocytoma/paraganglioma syndrome 2. Also called: SDHAF2-Related Hereditary Paraganglioma-Pheochromocytoma Syndrome; GLOMUS TUMORS, FAMILIAL, 2; Paragangliomas 2; SDHAF2-Related Hereditary Paraganglioma-Pheochromocytoma Syndrome (Paragangliomas 2). Identifiers: Orphanet 29072, MedGen C1866552, MONDO:0011121, OMIM 601650.

Submission:

Myriad Genetics, Inc.
Classification: Benign for Pheochromocytoma/paraganglioma syndrome 2. Last evaluated: 2026-08-05. Review status: criteria provided, single submitter. Criteria: Myriad Autosomal Dominant, Autosomal Recessive and X-Linked Classification Criteria (2023). Collection method: clinical testing. Allele origin: unknown.
Comment: This variant is considered benign. This variant is a silent/synonymous amino acid change and it is not expected to impact splicing.